The following is an entry in ClinVar:

ClinVar aggregate classification (germline): Pathogenic (1 of 4 stars; one submission).

Conditions:
TH-deficient dopa-responsive dystonia. Also called: Tyrosine Hydroxylase-Deficient Dopa-Responsive Dystonia; Segawa syndrome, autosomal recessive; DYT-TH. Identifiers: Orphanet 101150, MedGen C2673535, MONDO:0011551, OMIM 605407.

Submission:

Labcorp Genetics (formerly Invitae), Labcorp
Classification: Pathogenic for TH-deficient dopa-responsive dystonia. Last evaluated: 2025-04-08. Review status: criteria provided, single submitter. Criteria: Invitae Variant Classification Sherloc (09022015). Collection method: clinical testing. Allele origin: germline.
Comment: This sequence change creates a premature translational stop signal (p.Val488*) in the TH gene. While this is not anticipated to result in nonsense mediated decay, it is expected to disrupt the last 41 amino acid(s) of the TH protein. This variant is not present in population databases (gnomAD no frequency). This variant has not been reported in the literature in individuals affected with TH-related conditions. This variant disrupts a region of the TH protein in which other variant(s) (p.Val499Met) have been determined to be pathogenic (PMID: 29724574, 33072517, 34054692). This suggests that this is a clinically significant region of the protein, and that variants that disrupt it are likely to be disease-causing. For these reasons, this variant has been classified as Pathogenic.

Literature cited by the submitters: PubMed 29724574; PubMed 33072517; PubMed 34054692.

NM_000360.4(TH):c.1368del (p.Ser456_Val457insTer)

Gene: TH (tyrosine hydroxylase; minus strand). Cytogenetic location: 11p15.5.
Variant type: Deletion.
Coding change: c.1368del on transcript NM_000360.4 (MANE Select); coding-DNA position 1368, one base deleted (C; older notation c.1368delC).
Protein change: p.Ser456_Val457insTer.
Molecular consequence: frameshift variant.
Genome position (GRCh38, 1-based): chr11:2,164,359, G deleted on the plus strand (C on the coding strand, the reverse complement: TH is on the minus strand); the first of 2 consecutive G bases (chr11:2,164,359-2,164,360); deleting either gives the same sequence. VCF-style (leftmost placement, unchanged base first): chr11-2164358-CG-C. GRCh37 (hg19) VCF-style: chr11-2185588-CG-C.
Other names: c.1380del, p.Ser460_Val461insTer (NM_001440535.1); c.1098del, p.Ser366_Val367insTer (NM_001440536.1); c.1086del, p.Ser362_Val363insTer (NM_001440537.1); c.1461del, p.Ser487_Val488insTer (NM_199292.3); c.1449del, p.Ser483_Val484insTer (NM_199293.3).
Identifiers: ClinVar variation 4713803 (VCV004713803.1).